The following is an entry in ClinVar:

ClinVar aggregate classification (germline): Benign. Review status: criteria provided, multiple submitters, no conflicts (2 of 4 stars). 5 submissions from 5 submitters: Benign (5). Last evaluated 2026-02-03.

Conditions:
Inborn genetic diseases. Identifiers: MedGen C0950123, MeSH D030342.
Neurodevelopmental disorder with or without hyperkinetic movements and seizures, autosomal dominant. Also called: Intellectual disability, autosomal dominant 8. Identifiers: MedGen C3280282, MONDO:0013655, OMIM 614254.

Allele frequency attached by ClinVar (database versions not stated): gnomAD exomes 0.00309 and 0.00811; gnomAD 0.00518 and 0.00624; ESP Exome Variant Server 0.00538; TOPMed 0.00706; ExAC 0.01844; 1000 Genomes Project 30x 0.01968; 1000 Genomes Project 0.01977.

Submissions (5):

Labcorp Genetics (formerly Invitae), Labcorp
Classification: Benign for Neurodevelopmental disorder with or without hyperkinetic movements and seizures, autosomal dominant. Last evaluated: 2026-02-03. Review status: criteria provided, single submitter. Criteria: Invitae Variant Classification Sherloc (09022015). Collection method: clinical testing. Allele origin: germline.

Athena Diagnostics
Classification: Benign. Last evaluated: 2019-03-05. Review status: criteria provided, single submitter. Criteria: Athena Diagnostics Criteria. Collection method: clinical testing. Allele origin: germline.

Ambry Genetics
Classification: Benign for Inborn genetic diseases. Last evaluated: 2016-06-02. Review status: criteria provided, single submitter. Criteria: Ambry Variant Classification Scheme 2023. Collection method: clinical testing. Allele origin: germline.

GeneDx
Classification: Benign. Last evaluated: 2016-02-19. Review status: criteria provided, single submitter. Criteria: GeneDx Variant Classification (06012015). Collection method: clinical testing. Allele origin: germline. Affected: yes.
Comment: This variant is considered likely benign or benign based on one or more of the following criteria: it is a conservative change, it occurs at a poorly conserved position in the protein, it is predicted to be benign by multiple in silico algorithms, and/or has population frequency not consistent with disease.

Breakthrough Genomics
Classification: Benign. Review status: criteria provided, single submitter. Criteria: ACMG Guidelines, 2015. Collection method: not provided. Allele origin: germline. Inheritance: Autosomal recessive inheritance. Affected: yes.

NM_007327.4(GRIN1):c.1548G>A (p.Pro516=)

Gene: GRIN1 (glutamate ionotropic receptor NMDA type subunit 1; plus strand). Cytogenetic location: 9q34.3.
Variant type: single nucleotide variant.
Coding change: c.1548G>A on transcript NM_007327.4 (MANE Select); coding-DNA position 1548, G replaced by A.
Protein change: p.Pro516=; no amino-acid change (proline 516 retained).
Molecular consequence: synonymous variant.
Genome position (GRCh38, 1-based): chr9:137,162,004, G>A. VCF-style: chr9-137162004-G-A. GRCh37 (hg19) VCF-style: chr9-140056456-G-A.
Other names: c.1548G>A, p.Pro516= (NM_000832.7, NM_021569.4); c.1611G>A, p.Pro537= (NM_001185090.2, NM_001185091.2).
Identifiers: ClinVar variation 383643 (VCV000383643.17), dbSNP rs75783429, ClinGen allele CA5360961.